The following is an entry in ClinVar:

NM_017433.5(MYO3A):c.1903+1G>A

Gene: MYO3A (myosin IIIA; plus strand). Cytogenetic location: 10p12.1.
Variant type: single nucleotide variant.
Coding change: c.1903+1G>A on transcript NM_017433.5 (MANE Select); the canonical splice donor site of the intron after coding-DNA position 1903, G replaced by A.
Molecular consequence: splice donor variant.
Genome position (GRCh38, 1-based): chr10:26,120,803, G>A. VCF-style: chr10-26120803-G-A. GRCh37 (hg19) VCF-style: chr10-26409732-G-A.
Identifiers: ClinVar variation 4852344 (VCV004852344.1).

ClinVar aggregate classification (germline): Pathogenic (1 of 4 stars; one submission).

Conditions:
Autosomal recessive nonsyndromic hearing loss 30. Identifiers: Orphanet 90636, MedGen C1846784, MONDO:0011774, OMIM 607101.

Submission:

MVZ Medizinische Genetik Mainz
Classification: Pathogenic for Autosomal recessive nonsyndromic hearing loss 30. Last evaluated: 2026-04-28. Review status: criteria provided, single submitter. Criteria: UK Practice Guidelines For Variant Classification V4 01 2020. Collection method: clinical testing. Allele origin: germline. Inheritance: Autosomal recessive inheritance. Affected: yes. Observed: 1 variant allele.
Comment: ACMG Criteria: PVS1,PM2_SUP